The following is an entry in ClinVar:

NM_001374828.1(ARID1B):c.1669G>C (p.Gly557Arg)

Gene: ARID1B (AT-rich interaction domain 1B; plus strand). Cytogenetic location: 6q25.3.
Variant type: single nucleotide variant.
Coding change: c.1669G>C on transcript NM_001374828.1 (MANE Select); coding-DNA position 1669, G replaced by C.
Protein change: p.Gly557Arg; replaces glycine 557 with arginine.
Molecular consequence: missense variant.
Genome position (GRCh38, 1-based): chr6:156,779,349, G>C. VCF-style: chr6-156779349-G-C. GRCh37 (hg19) VCF-style: chr6-157100483-G-C.
Other names: c.1420G>C, p.Gly474Arg (NM_001346813.1, NM_020732.3); c.1669G>C, p.Gly557Arg (NM_001371656.1, NM_001374820.1, NM_017519.3); c.1246G>C, p.Gly416Arg (NM_175863.2); short protein forms G416R, G474R, G557R.
Identifiers: ClinVar variation 1879675 (VCV001879675.29), dbSNP rs2115003168, ClinGen allele CA366385331.

ClinVar aggregate classification (germline): Uncertain significance (1 of 4 stars; one submission).

Submission:

CeGaT Center for Human Genetics Tuebingen
Classification: Uncertain significance. Last evaluated: 2022-10-01. Review status: criteria provided, single submitter. Criteria: CeGaT Center For Human Genetics Tuebingen Variant Classification Criteria Version 2. Collection method: clinical testing. Allele origin: germline. Affected: yes. Observed: 1 variant allele.
Comment: ARID1B: PM2